The following is an entry in ClinVar:

ClinVar aggregate classification (germline): Benign. Review status: criteria provided, multiple submitters, no conflicts (2 of 4 stars). 4 submissions from 4 submitters: Benign (4). Last evaluated 2026-02-02.

Conditions:
Diaphyseal dysplasia. Also called: ENGELMANN DISEASE; PROGRESSIVE DIAPHYSEAL DYSPLASIA; Camurati-Engelmann Disease. Identifiers: Orphanet 1328, MedGen C0011989, MONDO:0007542, HP:0100252.
Cystic fibrosis (CF). Also called: MUCOVISCIDOSIS. Identifiers: Orphanet 586, MedGen C0010674, MONDO:0009061, OMIM 219700. Disease mechanism: loss of function.
Inflammatory bowel disease, immunodeficiency, and encephalopathy. Identifiers: Orphanet 565788, MedGen C4748708, MONDO:0032601, OMIM 618213.

Allele frequency attached by ClinVar (database versions not stated): gnomAD exomes 0.00086 and 0.00218; ExAC 0.00287; 1000 Genomes Project 0.00799; gnomAD 0.00817 and 0.00894; ESP Exome Variant Server 0.00855; 1000 Genomes Project 30x 0.00859; TOPMed 0.00925.

Submissions (11):

Labcorp Genetics (formerly Invitae), Labcorp
Classification: Benign. Last evaluated: 2026-02-02. Review status: criteria provided, single submitter. Criteria: Invitae Variant Classification Sherloc (09022015). Collection method: clinical testing. Allele origin: germline.

Mayo Clinic Laboratories, Mayo Clinic
Classification: Benign. Last evaluated: 2025-06-24. Review status: criteria provided, single submitter. Criteria: ACMG Guidelines, 2015. Collection method: clinical testing. Allele origin: germline. Observed: 1 variant allele.
Comment: BS1, BS2

Breakthrough Genomics
Classification: Benign. Review status: criteria provided, single submitter. Criteria: ACMG Guidelines, 2015. Collection method: not provided. Allele origin: germline. Inheritance: Autosomal recessive inheritance. Affected: yes.

Center for Genomics, Ann and Robert H. Lurie Children's Hospital of Chicago
Classification: Benign for Inflammatory bowel disease, immunodeficiency, and encephalopathy; Camurati-Engelmann disease type 1; Cystic fibrosis. Review status: criteria provided, single submitter. Criteria: ACMG Guidelines, 2015. Collection method: clinical testing. Allele origin: germline.
Comment: This variant has not been reported in the literature. This variant is present in the Genome Aggregation Database (Highest reported MAF: 2.8% [1159/41416], including 20 homozygotes), and in ClinVar (Variation ID:978501). Splice prediction tools suggest that this variant weakens the canonical splice donor site. However, given this variant's frequency in the population and presence in the homozygous state in numerous individuals, this variant is classified as benign.

Dr. Peter K. Rogan Lab, Western University
No classification provided (evidence only). Condition: Acute myeloid leukemia. Review status: no classification provided. Collection method: in vitro. Allele origin: not applicable. Functional consequence: retained intron. Not counted in ClinVar's aggregate classification.

Dr. Peter K. Rogan Lab, Western University
No classification provided (evidence only). Condition: Uterine corpus endometrial carcinoma. Review status: no classification provided. Collection method: in vitro. Allele origin: not applicable. Functional consequence: retained intron. Not counted in ClinVar's aggregate classification.

Dr. Peter K. Rogan Lab, Western University
No classification provided (evidence only). Condition: Uterine corpus endometrial carcinoma. Review status: no classification provided. Collection method: in vitro. Allele origin: not applicable. Functional consequence: retained intron. Not counted in ClinVar's aggregate classification.

Dr. Peter K. Rogan Lab, Western University
No classification provided (evidence only). Condition: Cervical cancer. Review status: no classification provided. Collection method: in vitro. Allele origin: not applicable. Functional consequence: retained intron. Not counted in ClinVar's aggregate classification.

Dr. Peter K. Rogan Lab, Western University
No classification provided (evidence only). Condition: Sarcoma. Review status: no classification provided. Collection method: in vitro. Allele origin: not applicable. Functional consequence: retained intron. Not counted in ClinVar's aggregate classification.

Dr. Peter K. Rogan Lab, Western University
No classification provided (evidence only). Condition: Gastric cancer. Review status: no classification provided. Collection method: in vitro. Allele origin: not applicable. Functional consequence: retained intron. Not counted in ClinVar's aggregate classification.

Dr. Peter K. Rogan Lab, Western University
No classification provided (evidence only). Condition: Uterine carcinosarcoma. Review status: no classification provided. Collection method: in vitro. Allele origin: not applicable. Functional consequence: retained intron. Not counted in ClinVar's aggregate classification.

NM_000660.7(TGFB1):c.355+5G>A

Genes: TGFB1 (transforming growth factor beta 1; minus strand), LOC130064510 (ATAC-STARR-seq lymphoblastoid silent region 10661; plus strand). Cytogenetic location: 19q13.2.
Variant type: single nucleotide variant.
Coding change: c.355+5G>A on transcript NM_000660.7 (MANE Select); 5 bases into the intron after coding-DNA position 355, G replaced by A.
Molecular consequence: intron variant.
Genome position (GRCh38, 1-based): chr19:41,352,685, C>T on the plus strand (G>A on the coding strand, the complement: TGFB1 is on the minus strand). VCF-style: chr19-41352685-C-T. GRCh37 (hg19) VCF-style: chr19-41858590-C-T.
Identifiers: ClinVar variation 978501 (VCV000978501.14), dbSNP rs11466318, ClinGen allele CA9460137.
Genomic context (GRCh38, chr19:41,352,685, plus strand): 5'-TGGCCCCGGCACTCCGGCGCCCCCTGGGGGCCCCCCTCCCGGCTCCCCTGCCCCTCCGAG[C>T]TCACCGTTGTGGGTTTCCACCATTAGCACGCGGGTGACCTCCTTGGCGTAGTAGTCGGCC-3'